The following is an entry in ClinVar:

ClinVar aggregate classification (germline): Uncertain significance. Review status: criteria provided, multiple submitters, no conflicts (2 of 4 stars). 2 submissions from 2 submitters: Uncertain significance (2). Last evaluated 2024-06-15.

Conditions:
Hereditary cancer-predisposing syndrome. Also called: Hereditary neoplastic syndrome; Tumor predisposition; Neoplastic Syndromes, Hereditary; Hereditary Cancer Syndrome. Identifiers: Orphanet 140162, MedGen C0027672, MeSH D009386, MONDO:0015356.
Oligodontia-cancer predisposition syndrome. Also called: TOOTH AGENESIS-COLORECTAL CANCER SYNDROME. Identifiers: Orphanet 300576, MedGen C1837750, MONDO:0012075, OMIM 608615. Disease mechanism: loss of function.

Submissions (2):

Ambry Genetics
Classification: Uncertain significance for Hereditary cancer-predisposing syndrome. Last evaluated: 2024-06-15. Review status: criteria provided, single submitter. Criteria: Ambry Variant Classification Scheme 2023. Collection method: clinical testing. Allele origin: germline.
Comment: The p.V707A variant (also known as c.2120T>C), located in coding exon 7 of the AXIN2 gene, results from a T to C substitution at nucleotide position 2120. The valine at codon 707 is replaced by alanine, an amino acid with similar properties. This amino acid position is conserved. In addition, the in silico prediction for this alteration is inconclusive. Since supporting evidence is limited at this time, the clinical significance of this alteration remains unclear.

Labcorp Genetics (formerly Invitae), Labcorp
Classification: Uncertain significance for Oligodontia-cancer predisposition syndrome. Last evaluated: 2023-03-14. Review status: criteria provided, single submitter. Criteria: Invitae Variant Classification Sherloc (09022015). Collection method: clinical testing. Allele origin: germline.
Comment: In summary, the available evidence is currently insufficient to determine the role of this variant in disease. Therefore, it has been classified as a Variant of Uncertain Significance. Advanced modeling of protein sequence and biophysical properties (such as structural, functional, and spatial information, amino acid conservation, physicochemical variation, residue mobility, and thermodynamic stability) performed at Invitae indicates that this missense variant is not expected to disrupt AXIN2 protein function. ClinVar contains an entry for this variant (Variation ID: 1345131). This variant has not been reported in the literature in individuals affected with AXIN2-related conditions. This variant is not present in population databases (gnomAD no frequency). This sequence change replaces valine, which is neutral and non-polar, with alanine, which is neutral and non-polar, at codon 707 of the AXIN2 protein (p.Val707Ala).

NM_004655.4(AXIN2):c.2120T>C (p.Val707Ala)

Gene: AXIN2 (axin 2; minus strand). Cytogenetic location: 17q24.1.
Variant type: single nucleotide variant.
Coding change: c.2120T>C on transcript NM_004655.4 (MANE Select); coding-DNA position 2120, T replaced by C.
Protein change: p.Val707Ala; replaces valine 707 with alanine.
Molecular consequence: missense variant.
Genome position (GRCh38, 1-based): chr17:65,536,341, A>G on the plus strand (T>C on the coding strand, the complement: AXIN2 is on the minus strand). VCF-style: chr17-65536341-A-G. GRCh37 (hg19) VCF-style: chr17-63532459-A-G.
Other names: c.1925T>C, p.Val642Ala (NM_001363813.1); short protein forms V707A, V642A.
Identifiers: ClinVar variation 1345131 (VCV001345131.9), dbSNP rs1242643059, ClinGen allele CA400675947.
Genomic context (GRCh38, chr17:65,536,341, plus strand): 5'-AATCCCTGCCTCAACCTAGGACCCTTCACTTCCACTCACCGCTGCTTTGGGGGCTTCGAC[A>G]CCTCAGCTAGCCTGCGACAGGCCTCCTCCAGCTGAGCCAGCGTGTTGGGTGGGGTCAGGG-3'
Protein context (NP_004646.3, residues 697-717): LEEACRRLAE[Val707Ala]SKPPKQRCCV